The following is an entry in ClinVar:

ClinVar aggregate classification (germline): Pathogenic. Review status: reviewed by expert panel (3 of 4 stars). 2 submissions from 2 submitters: Pathogenic (1). 1 of the submissions does not count toward it. Last evaluated 2024-03-26.

Conditions:
Hereditary thrombocytopenia and hematological cancer predisposition syndrome associated with RUNX1. Also called: Familial Platelet Disorder with Propensity to Acute Myelogenous Leukemia; Familial thrombocytopenia with propensity to acute myelogenous leukemia; PLATELET DISORDER, ASPIRIN-LIKE; RUNX1 Familial Platelet Disorder with Associated Myeloid Malignancies. Identifiers: Orphanet 71290, MedGen C1832388, MeSH C563324, MONDO:0100083, OMIM 601399.
Hereditary thrombocytopenia and hematologic cancer predisposition syndrome. Identifiers: Orphanet 71290, MedGen CN281654, MONDO:0011071.

Submissions (2):

ClinGen Myeloid Malignancy Variant Curation Expert Panel
Classification: Pathogenic for Hereditary thrombocytopenia and hematologic cancer predisposition syndrome. Last evaluated: 2024-03-26. Review status: reviewed by expert panel. Criteria: ClinGen MyeloMalig ACMG Specifications v2. Collection method: curation. Allele origin: germline. Inheritance: Autosomal dominant inheritance.
Comment: The NM_001754.5(RUNX1):c.391_392insATCG (p.Thr131AsnfsTer8) is a frameshift variant in a gene in which loss-of-function is an established mechanism (Frameshift (+1); c.98-c.779 as per VCEP specifications) (PVS1). This variant is completely absent from all population databases with at least 20x coverage for RUNX1 (PM2_Supporting). This variant affects one of the amino acid residues between 89-204 within the RHD (PM1_supporting). This frameshift variant is downstream of c.98 in transcript NM_001754.4 (PM5_Supporting). In summary, this variant meets the criteria to be classified as pathogenic. ACMG/AMP criteria applied, as specified by the Myeloid Malignancy Variant Curation Expert Panel for RUNX1: PVS1, PM1_supporting, PM2_supporting, PM5_supporting.

Labcorp Genetics (formerly Invitae), Labcorp
Classification: Pathogenic for Hereditary thrombocytopenia and hematological cancer predisposition syndrome associated with RUNX1. Last evaluated: 2022-08-14. Review status: criteria provided, single submitter. Criteria: Invitae Variant Classification Sherloc (09022015). Collection method: clinical testing. Allele origin: germline. Not counted in ClinVar's aggregate classification.
Comment: This variant is not present in population databases (gnomAD no frequency). For these reasons, this variant has been classified as Pathogenic. This variant has not been reported in the literature in individuals affected with RUNX1-related conditions. This sequence change creates a premature translational stop signal (p.Thr131Asnfs*8) in the RUNX1 gene. It is expected to result in an absent or disrupted protein product. Loss-of-function variants in RUNX1 are known to be pathogenic (PMID: 18723428, 24100448).

Literature cited by the submitters: PubMed 18723428 (cited by Labcorp Genetics (formerly Invitae), Labcorp); PubMed 24100448 (cited by Labcorp Genetics (formerly Invitae), Labcorp).

NM_001754.5(RUNX1):c.391_392insATCG (p.Thr131fs)

Genes: RUNX1 (RUNX family transcription factor 1; minus strand), RUNX1-AS1 (RUNX1 antisense RNA 1; plus strand). Cytogenetic location: 21q22.12.
Variant type: Insertion.
Coding change: c.391_392insATCG on transcript NM_001754.5 (MANE Select); coding-DNA positions 391 to 392, ATCG inserted.
Protein change: p.Thr131fs; shifts the reading frame from threonine 131.
Molecular consequence: frameshift variant.
Genome position: GRCh38 VCF-style: chr21-34880673-G-GCGAT. GRCh37 (hg19) VCF-style: chr21-36252970-G-GCGAT.
Other names: NM_001754.5(RUNX1):c.391_392insATCG; p.Thr131fs; c.310_311insATCG, p.Thr104fs (NM_001001890.3, NM_001122607.2); short protein forms T131fs, T104fs.
Identifiers: ClinVar variation 2024194 (VCV002024194.5), dbSNP rs2517440229, ClinGen allele CA2580098649.
Genomic context (GRCh38, chr21:34,880,673, plus strand): 5'-ATGGCTGCGGTAGCATTTCTCAGCTCAGCCGAGTAGTTTTCATCATTGCCAGCCATCACA[G>GCGAT]TGACCAGAGTGCCATCTGGAACATCCCCTAGGGCCACCACCTAAACACCAGTCAAAGGAC-3'